The following continues an entry in ClinVar:

NM_007294.4(BRCA1):c.844_850dup (p.Gln284fs)

Gene: BRCA1. ClinVar aggregate classification (germline): Pathogenic. Pathogenic (1).

Submissions 7 to 18 of 18:

Ambry Genetics
Classification: Pathogenic for Hereditary cancer-predisposing syndrome. Last evaluated: 2024-07-17. Review status: criteria provided, single submitter. Criteria: Ambry Variant Classification Scheme 2023. Collection method: clinical testing. Allele origin: germline. Not counted in ClinVar's aggregate classification.
Comment: The c.844_850dupTCATTAC pathogenic mutation, located in coding exon 9 of the BRCA1 gene, results from a duplication of TCATTAC at nucleotide position 844, causing a translational frameshift with a predicted alternate stop codon (p.Q284Lfs*5). This mutation has been reported in several high-risk breast/ovarian cancer families (Ozcelik H, J. Med. Genet. 2003 Aug; 40(8):e91; Stegel V et al. BMC Med Genet, 2011 Jan;12:9; Novakovi S et al. Int J Oncol, 2012 Nov;41:1619-27; Dobrii J et al. J Hum Genet, 2013 Aug;58:501-7; Krajc M et al. Clin Genet, 2014 Jan;85:59-63; Minucci A et al. Expert Rev Mol Diagn, 2015 Aug;15:1383-403; Cini G et al. BMC Med Genet, 2016 Feb;17:11; Cvelbar M et al. Radiol Oncol, 2017 Jun;51:187-194; Gornjec A et al. BMC Cancer, 2019 Apr;19:296; Nguyen-Dumont T et al. Genet Res (Camb), 2020 08;102:e6) as well as in a pancreatic cancer cohort (Holter S et al. J Clin Oncol, 2015 Oct;33:3124-9). In particular, this mutation has been reported frequently in the Slovenian population (Stegel V et al. BMC Med Genet, 2011 Jan;12:9; Novakovi S et al. Int J Oncol, 2012 Nov;41:1619-27; Krajc M et al. Clin Genet, 2014 Jan;85:59-63). Of note, this alteration is also referred to as 969ins7, 970ins7, and 850_851insTCATTAC in the literature. In addition to the clinical data presented in the literature, this alteration is expected to result in loss of function by premature protein truncation or nonsense-mediated mRNA decay. As such, this alteration is interpreted as a disease-causing mutation.

ARUP Laboratories, Molecular Genetics and Genomics, ARUP Laboratories
Classification: Pathogenic. Last evaluated: 2024-07-10. Review status: criteria provided, single submitter. Criteria: ARUP Molecular Germline Variant Investigation Process 2024. Collection method: clinical testing. Allele origin: germline. Not counted in ClinVar's aggregate classification.
Comment: The BRCA1 c.844_850dup; p.Gln284LeufsTer5 variant (rs80357989, ClinVar Variation ID: 55735), also known as 969ins7, is a recurrent variant found frequently in the Slovenian population, and is reported in the literature in several individuals and families affected with breast and/or ovarian cancer (Bora 2022, Dobricic 2013, Krajc 2014, Minucci 2015, Nguyen-Dumont 2020, Novakovic 2012, Ozcelik 2003, Stegel 2011), and pancreatic adenocarcinoma (Holter 2015). This variant is absent from the Genome Aggregation Database (v2.1.1), indicating it is not a common polymorphism. This variant causes a frameshift by duplicating seven nucleotides, so it is predicted to result in a truncated protein or mRNA subject to nonsense-mediated decay. Based on available information, this variant is considered to be pathogenic. References: Bora E et al. Evaluation of hereditary/familial breast cancer patients with multigene targeted next generation sequencing panel and MLPA analysis in Turkey. Cancer Genet. 2022 Apr;262-263:118-133. PMID: 35220195. Dobricic J et al. Serbian high-risk families: extensive results on BRCA mutation spectra and frequency. J Hum Genet. 2013 Aug;58(8):501-7. PMID: 23635950. Holter S et al. Germline BRCA Mutations in a Large Clinic-Based Cohort of Patients With Pancreatic Adenocarcinoma. J Clin Oncol. 2015 Oct 1;33(28):3124-9. PMID: 25940717. Krajc M et al. Geographical distribution of Slovenian BRCA1/2 families according to family origin: implications for genetic screening. Clin Genet. 2014 Jan;85(1):59-63. PMID: 23397983. Minucci A et al. Clinical impact on ovarian cancer patients of massive parallel sequencing for BRCA mutation detection: the experience at Gemelli hospital and a literature review. Expert Rev Mol Diagn. 2015;15(10):1383-403. PMID: 26306726. Nguyen-Dumont T et al. Genetic testing in Poland and Ukraine: should comprehensive germline testing of BRCA1 and BRCA2 be recommended for women with breast and ovarian cancer? Genet Res (Camb). 2020 Aug 10;102:e6. PMID: 32772980. Novakovic S et al. Novel BRCA1 and BRCA2 pathogenic mutations in Slovene hereditary breast and ovarian cancer families. Int J Oncol. 2012 Nov;41(5):1619-27. PMID: 22923021. Ozcelik H et al. Individual and family characteristics associated with protein truncating BRCA1 and BRCA2 mutations in an Ontario population based series from the Cooperative Family Registry for Breast Cancer Studies. J Med Genet. 2003 Aug;40(8):e91. PMID: 12920083. Stegel V et al. The occurrence of germline BRCA1 and BRCA2 sequence alterations in Slovenian population. BMC Med Genet. 2011 Jan 14;12:9. PMID: 21232165.

Color Diagnostics, LLC DBA Color Health
Classification: Pathogenic for Hereditary cancer-predisposing syndrome. Last evaluated: 2023-06-30. Review status: criteria provided, single submitter. Criteria: ACMG Guidelines, 2015. Collection method: clinical testing. Allele origin: germline. Not counted in ClinVar's aggregate classification.
Comment: This variant inserts 7 nucleotides in exon 10 of the BRCA1 gene, creating a frameshift and premature translation stop signal. This variant is also known as 969ins7 and 970ins7 in the literature. This variant is expected to result in an absent or non-functional protein product. To our knowledge, functional studies have not been reported for this variant. This variant has been detected in multiple individuals and families affected with breast and/or ovarian cancer (PMID: 12920083, 23635950, 26852130) including recurrent affected families in Slovenia (PMID: 22923021). This variant has not been identified in the general population by the Genome Aggregation Database (gnomAD). Loss of BRCA1 function is a known mechanism of disease. Based on the available evidence, this variant is classified as Pathogenic.

Centre for Mendelian Genomics, University Medical Centre Ljubljana
Classification: Pathogenic for Breast-ovarian cancer, familial, susceptibility to, 1. Last evaluated: 2022-12-09. Review status: criteria provided, single submitter. Criteria: ACMG Guidelines, 2015. Collection method: research. Allele origin: germline. Affected: no. Not counted in ClinVar's aggregate classification.
Comment: PVS1, PS4_STR, PM2_SUP

Quest Diagnostics Nichols Institute San Juan Capistrano
Classification: Pathogenic. Last evaluated: 2020-11-02. Review status: criteria provided, single submitter. Criteria: Quest Diagnostics criteria. Collection method: clinical testing. Allele origin: unknown. Not counted in ClinVar's aggregate classification.
Comment: This frameshift variant causes the premature termination of BRCA1 protein synthesis. In addition, it has been reported in individuals with breast, ovarian, and pancreatic cancers in the published literature (PMID: 30940100 (2019), 26306726 (2015), 25940717 (2015), 23635950 (2013), 12920083 (2003)). This variant has not been reported in large, multi-ethnic general populations. Therefore, the variant is classified as pathogenic.

Department of Molecular Diagnostics, Institute of Oncology Ljubljana
Classification: Pathogenic for Breast-ovarian cancer, familial, susceptibility to, 1. Last evaluated: 2020-04-02. Review status: criteria provided, single submitter. Criteria: ACMG Guidelines, 2015. Collection method: clinical testing. Allele origin: germline. Affected: yes. Not counted in ClinVar's aggregate classification.

Laboratory for Molecular Medicine, Mass General Brigham Personalized Medicine
Classification: Pathogenic for Hereditary breast ovarian cancer syndrome. Last evaluated: 2016-08-04. Review status: criteria provided, single submitter. Criteria: ACMG Guidelines, 2015. Collection method: clinical testing. Allele origin: germline. Inheritance: Autosomal dominant inheritance. Not counted in ClinVar's aggregate classification.
Comment: The p.Gln284fs variant in BRCA1 has been reported in >10 Caucasian individuals with BRCA1-associated cancers (Ozcelik 2003, Stegel 2011, Krajc 2014) and was absent from large population studies, though the ability of these studies to accurately detect indels may be limited. This variant is predicted to cause a frameshift, which alters the protein's amino acid sequence beginning at position 284 and leads to a premature stop codon 5 amino acids downstream. This alteration is then predicted to lead to a truncated or absent protein. Heterozygous loss of function of the BRCA1 gene is an established disease mechanism for hereditary breast and ovarian cancer (HBOC). In summary, this variant meets our criteria to be classified as pathogenic for autosomal dominant HBOC.

Consortium of Investigators of Modifiers of BRCA1/2 (CIMBA), c/o University of Cambridge
Classification: Pathogenic for Breast-ovarian cancer, familial, susceptibility to, 1. Last evaluated: 2015-10-02. Review status: criteria provided, single submitter. Criteria: CIMBA Mutation Classification guidelines May 2016. Collection method: clinical testing. Allele origin: germline. Not counted in ClinVar's aggregate classification.

Centre for Mendelian Genomics, University Medical Centre Ljubljana
Classification: Pathogenic for Rhabdomyosarcoma. Last evaluated: 2015-08-10. Review status: criteria provided, single submitter. Criteria: ACMG Guidelines, 2015. Collection method: clinical testing. Allele origin: unknown. Affected: yes. Not counted in ClinVar's aggregate classification.

Research Molecular Genetics Laboratory, Women's College Hospital, University of Toronto
Classification: Pathogenic for Hereditary breast ovarian cancer syndrome. Last evaluated: 2014-01-31. Review status: no assertion criteria provided. Collection method: research. Allele origin: germline. Affected: yes. Study: The Canadian Open Genetics Repository (COGR). Not counted in ClinVar's aggregate classification.

Breast Cancer Information Core (BIC) (BRCA1)
Classification: Pathogenic for Breast-ovarian cancer, familial 1. Last evaluated: 1998-11-17. Review status: no assertion criteria provided. Collection method: clinical testing. Allele origin: germline. Affected: yes. Observed: 2 variant alleles. Not counted in ClinVar's aggregate classification.

Department of Pathology and Laboratory Medicine, Sinai Health System
Classification: Uncertain significance. Review status: no assertion criteria provided. Collection method: clinical testing. Allele origin: unknown. Affected: yes. Observed: 1 variant allele. Study: The Canadian Open Genetics Repository (COGR). Not counted in ClinVar's aggregate classification.

Literature cited by the submitters: PubMed 20104584 (cited by Labcorp Genetics (formerly Invitae), Labcorp); PubMed 12920083 (cited by 7 submitters); PubMed 16287141 (cited by Labcorp Genetics (formerly Invitae), Labcorp); PubMed 22923021 (cited by 4 submitters); PubMed 23635950 (cited by 5 submitters); PubMed 25940717 (cited by 4 submitters); PubMed 26306726 (cited by 3 submitters); PubMed 28740454 (cited by Labcorp Genetics (formerly Invitae), Labcorp and Ambry Genetics); PubMed 26852130 (cited by 3 submitters); PubMed 21232165 (cited by 3 submitters); PubMed 23397983 (cited by 3 submitters); PubMed 19370767 (cited by Women's Health and Genetics/Laboratory Corporation of America, LabCorp); PubMed 30940100 (cited by Ambry Genetics and Quest Diagnostics Nichols Institute San Juan Capistrano); PubMed 32772980 (cited by Ambry Genetics); PubMed 26295337 (cited by Quest Diagnostics Nichols Institute San Juan Capistrano).